The following is an entry in ClinVar:

NM_016038.4(SBDS):c.194T>A (p.Val65Asp)

Gene: SBDS (SBDS ribosome maturation factor; minus strand). Cytogenetic location: 7q11.21.
Variant type: single nucleotide variant.
Coding change: c.194T>A on transcript NM_016038.4 (MANE Select); coding-DNA position 194, T replaced by A.
Protein change: p.Val65Asp; replaces valine 65 with aspartic acid.
Molecular consequence: missense variant.
Genome position (GRCh38, 1-based): chr7:66,994,276, A>T on the plus strand (T>A on the coding strand, the complement: SBDS is on the minus strand). VCF-style: chr7-66994276-A-T. GRCh37 (hg19) VCF-style: chr7-66459263-A-T.
Other names: short protein forms V65D.
Identifiers: ClinVar variation 4159807 (VCV004159807.1).

ClinVar aggregate classification (germline): Uncertain significance (1 of 4 stars; one submission).

Conditions:
Inborn genetic diseases. Identifiers: MedGen C0950123, MeSH D030342.

Submission:

Ambry Genetics
Classification: Uncertain significance for Inborn genetic diseases. Last evaluated: 2025-07-14. Review status: criteria provided, single submitter. Criteria: Ambry Variant Classification Scheme 2023. Collection method: clinical testing. Allele origin: germline.
Comment: The p.V65D variant (also known as c.194T>A), located in coding exon 2 of the SBDS gene, results from a T to A substitution at nucleotide position 194. The valine at codon 65 is replaced by aspartic acid, an amino acid with highly dissimilar properties. This amino acid position is conserved. In addition, this alteration is predicted to be deleterious by in silico analysis. Based on the available evidence, the clinical significance of this variant remains unclear.